The following is an entry in ClinVar:

NC_000013.10:g.(?_23755059)_(23778029_23808749)dup

Gene: SGCG (sarcoglycan gamma; plus strand). Cytogenetic location: 13q12.12.
Variant type: Duplication.
Identifiers: ClinVar variation 1677055 (VCV001677055.1).

ClinVar aggregate classification (germline): Uncertain significance (1 of 4 stars; one submission).

Submission:

Women's Health and Genetics/Laboratory Corporation of America, LabCorp
Classification: Uncertain significance. Last evaluated: 2022-03-09. Review status: criteria provided, single submitter. Criteria: LabCorp Variant Classification Summary - May 2015. Collection method: clinical testing. Allele origin: germline.
Comment: Variant summary: The variant identified by MLPA or other technology involves the duplication of exons 1-2 in the SGCG gene. A presumed nomenclature of c.(?_-156)_(195+1_196-1)dup has been designated for the purposes of this classification. It has been assumed that this is a tandem duplication in direct orientation (Richardson_GIM_2018, Newman_AJHG_2015). The variant was absent in 21396 control chromosomes (gnomAD SVs, Structural Variants dataset). The available data on variant occurrences in the general population are insufficient to allow any conclusion about variant significance. To our knowledge, no occurrence of c.(?_-156)_(195+1_196-1)dup in individuals affected with Limb-Girdle Muscular Dystrophy, Autosomal Recessive and no experimental evidence demonstrating its impact on protein function have been reported. One ClinVar submitter (evaluation after 2014) cites the variant as uncertain significance. Based on the evidence outlined above, the variant was classified as uncertain significance.